The following is an entry in ClinVar:

NM_020975.6(RET):c.2727C>A (p.Ser909Arg)

Gene: RET (ret proto-oncogene; plus strand). Cytogenetic location: 10q11.21.
Variant type: single nucleotide variant.
Coding change: c.2727C>A on transcript NM_020975.6 (MANE Select); coding-DNA position 2727, C replaced by A.
Protein change: p.Ser909Arg; replaces serine 909 with arginine.
Molecular consequence: missense variant.
Genome position (GRCh38, 1-based): chr10:43,120,200, C>A. VCF-style: chr10-43120200-C-A. GRCh37 (hg19) VCF-style: chr10-43615648-C-A.
Other names: c.1965C>A, p.Ser655Arg (NM_001355216.2); c.2727C>A, p.Ser909Arg (NM_001406743.1, NM_001406744.1, NM_001406759.1 and 2 more transcripts); c.2598C>A, p.Ser866Arg (NM_001406761.1, NM_001406762.1, NM_001406764.1); c.2592C>A, p.Ser864Arg (NM_001406763.1, NM_001406765.1); c.2001C>A, p.Ser667Arg (NM_001406776.1, NM_001406777.1, NM_001406778.1 and 1 more transcripts); c.1830C>A, p.Ser610Arg (NM_001406779.1, NM_001406780.1, NM_001406781.1 and 1 more transcripts); c.1701C>A, p.Ser567Arg (NM_001406783.1, NM_001406786.1); c.1737C>A, p.Ser579Arg (NM_001406784.1); and 10 more; short protein forms S426R, S474R, S579R, S610R, S734R, S821R, S514R, S565R.
Identifiers: ClinVar variation 5028194 (VCV005028194.1).

ClinVar aggregate classification (germline): Uncertain significance (1 of 4 stars; one submission).

Conditions:
Hereditary cancer-predisposing syndrome. Also called: Neoplastic Syndromes, Hereditary; Tumor predisposition; Hereditary neoplastic syndrome; Hereditary Cancer Syndrome. Identifiers: Orphanet 140162, MedGen C0027672, MeSH D009386, MONDO:0015356.

Submission:

Ambry Genetics
Classification: Uncertain significance for Hereditary cancer-predisposing syndrome. Last evaluated: 2026-07-27. Review status: criteria provided, single submitter. Criteria: Ambry Variant Classification Scheme 2023. Collection method: clinical testing. Allele origin: germline.
Comment: The p.S909R variant (also known as c.2727C>A), located in coding exon 15 of the RET gene, results from a C to A substitution at nucleotide position 2727. The serine at codon 909 is replaced by arginine, an amino acid with dissimilar properties. This amino acid position is conserved. In addition, this alteration is predicted to be deleterious by in silico analysis. Based on the available evidence, the clinical significance of this variant remains unclear.